The following is an entry in ClinVar:

NM_004621.6(TRPC6):c.14C>A (p.Pro5Gln)

Gene: TRPC6 (transient receptor potential cation channel subfamily C member 6; minus strand). Cytogenetic location: 11q22.1.
Variant type: single nucleotide variant.
Coding change: c.14C>A on transcript NM_004621.6 (MANE Select); coding-DNA position 14, C replaced by A.
Protein change: p.Pro5Gln; replaces proline 5 with glutamine.
Molecular consequence: missense variant.
Genome position (GRCh38, 1-based): chr11:101,583,490, G>T on the plus strand (C>A on the coding strand, the complement: TRPC6 is on the minus strand). VCF-style: chr11-101583490-G-T. GRCh37 (hg19) VCF-style: chr11-101454221-G-T.
Other names: short protein forms P5Q.
Identifiers: ClinVar variation 4070809 (VCV004070809.1).

ClinVar aggregate classification (germline): Uncertain significance (1 of 4 stars; one submission).

gnomAD v4.1: 1 of 1,502,408 alleles (0.000067%); highest among the groups gnomAD compares: Non-Finnish European, 0.000089%; no homozygotes.

Submission:

GeneDx
Classification: Uncertain significance. Last evaluated: 2025-01-15. Review status: criteria provided, single submitter. Criteria: GeneDx Variant Classification Process June 2021. Collection method: clinical testing. Allele origin: germline. Affected: yes.
Comment: Not observed at significant frequency in large population cohorts (gnomAD); In silico analysis indicates that this missense variant does not alter protein structure/function; Has not been previously published as pathogenic or benign to our knowledge